The following is an entry in ClinVar:

ClinVar aggregate classification (germline): Uncertain significance. Review status: criteria provided, multiple submitters, no conflicts (2 of 4 stars). 2 submissions from 2 submitters: Uncertain significance (2). Last evaluated 2025-08-01.

Conditions:
Hereditary cancer-predisposing syndrome. Also called: Hereditary Cancer Syndrome; Hereditary neoplastic syndrome; Neoplastic Syndromes, Hereditary; Tumor predisposition. Identifiers: Orphanet 140162, MedGen C0027672, MeSH D009386, MONDO:0015356.
Gastrointestinal stromal tumor. Also called: Gastrointestinal stroma tumor; Gastrointestinal stromal tumor, somatic. Identifiers: Orphanet 44890, MedGen C0238198, MeSH D046152, MONDO:0011719, OMIM 606764, HP:0100723.

Allele frequency attached by ClinVar (database versions not stated): ExAC 0.00001; gnomAD 0.00001; TOPMed 0.00002.

Submissions (2):

Ambry Genetics
Classification: Uncertain significance for Hereditary cancer-predisposing syndrome. Last evaluated: 2025-08-01. Review status: criteria provided, single submitter. Criteria: Ambry Variant Classification Scheme 2023. Collection method: clinical testing. Allele origin: germline.
Comment: The c.2002+4G>T intronic variant results from a G to T substitution 4 nucleotides after coding exon 13 in the PDGFRA gene. This nucleotide position is not well conserved in available vertebrate species. In silico splice site analysis predicts that this alteration will not have any significant effect on splicing. Based on the available evidence, the clinical significance of this variant remains unclear.

Labcorp Genetics (formerly Invitae), Labcorp
Classification: Uncertain significance for Gastrointestinal stromal tumor. Last evaluated: 2024-08-28. Review status: criteria provided, single submitter. Criteria: Invitae Variant Classification Sherloc (09022015). Collection method: clinical testing. Allele origin: germline.
Comment: This sequence change falls in intron 14 of the PDGFRA gene. It does not directly change the encoded amino acid sequence of the PDGFRA protein. It affects a nucleotide within the consensus splice site. This variant is present in population databases (rs748849639, gnomAD 0.007%). This variant has not been reported in the literature in individuals affected with PDGFRA-related conditions. ClinVar contains an entry for this variant (Variation ID: 2159744). Variants that disrupt the consensus splice site are a relatively common cause of aberrant splicing (PMID: 17576681, 9536098). Algorithms developed to predict the effect of sequence changes on RNA splicing suggest that this variant may disrupt the consensus splice site. In summary, the available evidence is currently insufficient to determine the role of this variant in disease. Therefore, it has been classified as a Variant of Uncertain Significance.

Literature cited by the submitters: PubMed 17576681 (cited by Labcorp Genetics (formerly Invitae), Labcorp); PubMed 9536098 (cited by Labcorp Genetics (formerly Invitae), Labcorp).

NM_006206.6(PDGFRA):c.2002+4G>T

Gene: PDGFRA (platelet derived growth factor receptor alpha; plus strand). Cytogenetic location: 4q12.
Variant type: single nucleotide variant.
Coding change: c.2002+4G>T on transcript NM_006206.6 (MANE Select); 4 bases into the intron after coding-DNA position 2002, G replaced by T.
Molecular consequence: intron variant.
Genome position (GRCh38, 1-based): chr4:54,278,010, G>T. VCF-style: chr4-54278010-G-T. GRCh37 (hg19) VCF-style: chr4-55144177-G-T.
Other names: c.2077+4G>T (NM_001347828.2); c.2002+4G>T (NM_001347827.2, NM_001347829.2, NM_006206.4); c.2041+4G>T (NM_001347830.2).
Identifiers: ClinVar variation 2159744 (VCV002159744.5), dbSNP rs748849639, ClinGen allele CA2922718.